The following is an entry in ClinVar:

NM_000081.4(LYST):c.6118A>G (p.Ile2040Val)

Gene: LYST (lysosomal trafficking regulator; minus strand). Cytogenetic location: 1q42.3.
Variant type: single nucleotide variant.
Coding change: c.6118A>G on transcript NM_000081.4 (MANE Select); coding-DNA position 6118, A replaced by G.
Protein change: p.Ile2040Val; replaces isoleucine 2040 with valine.
Molecular consequence: missense variant.
Genome position (GRCh38, 1-based): chr1:235,766,082, T>C on the plus strand (A>G on the coding strand, the complement: LYST is on the minus strand). VCF-style: chr1-235766082-T-C. GRCh37 (hg19) VCF-style: chr1-235929382-T-C.
Other names: c.6118A>G, p.Ile2040Val (NM_001301365.1); short protein forms I2040V.
Identifiers: ClinVar variation 1965610 (VCV001965610.3), dbSNP rs2527885509, ClinGen allele CA344946740.

ClinVar aggregate classification (germline): Uncertain significance (1 of 4 stars; one submission).

Conditions:
Chédiak-Higashi syndrome (CHS). Also called: Chediak-Higashi Syndrome. Identifiers: Orphanet 167, MedGen C0007965, MONDO:0008963, OMIM 214500.

gnomAD v4.1: 2 of 1,609,092 alleles (0.00012%); highest among the groups gnomAD compares: Non-Finnish European, 0.00017%; no homozygotes.

Submission:

Labcorp Genetics (formerly Invitae), Labcorp
Classification: Uncertain significance for Chédiak-Higashi syndrome. Last evaluated: 2025-04-16. Review status: criteria provided, single submitter. Criteria: Invitae Variant Classification Sherloc (09022015). Collection method: clinical testing. Allele origin: germline.
Comment: This sequence change replaces isoleucine, which is neutral and non-polar, with valine, which is neutral and non-polar, at codon 2040 of the LYST protein (p.Ile2040Val). This variant is not present in population databases (gnomAD no frequency). This variant has not been reported in the literature in individuals affected with LYST-related conditions. ClinVar contains an entry for this variant (Variation ID: 1965610). Invitae Evidence Modeling of protein sequence and biophysical properties (such as structural, functional, and spatial information, amino acid conservation, physicochemical variation, residue mobility, and thermodynamic stability) indicates that this missense variant is not expected to disrupt LYST protein function with a negative predictive value of 80%. In summary, the available evidence is currently insufficient to determine the role of this variant in disease. Therefore, it has been classified as a Variant of Uncertain Significance.